The following is an entry in ClinVar:

NM_000516.7(GNAS):c.-18GCC[5]

Gene: GNAS (GNAS complex locus; plus strand). Cytogenetic location: 20q13.32.
Variant type: Microsatellite.
Coding change: c.-18GCC[5] on transcript NM_000516.7 (MANE Select); five copies in a row of the 3-base unit GCC starting at c.-18; the reference has six copies in a row; one copy, 3 bases deleted.
Molecular consequence: 5 prime UTR variant. On other transcripts: intron variant (8).
Genome position (GRCh38, 1-based): chr20:58,891,724-58,891,726, GCC deleted; deleting any 3 consecutive bases within chr20:58,891,707-58,891,726 gives the same sequence; the position shown is the placement nearest the transcript's 3' end. VCF-style (leftmost placement, unchanged base first): chr20-58891706-CCCG-C. GRCh37 (hg19) VCF-style: chr20-57466761-CCCG-C.
Other names: c.-18GCC[5] (NM_001077488.5, NM_001077489.4, NM_001309842.2 and 1 more transcripts); c.*43-3905CCG[5] (NM_016592.5); c.44-3905CCG[5] (NM_001410912.1); c.-38-3905CCG[5] (NM_001309861.2); c.*1-3905CCG[5] (NM_001077490.3); c.2069-3905CCG[5] (NM_080425.4, NM_001410913.1); c.*159-3905CCG[5] (NM_001309883.1); c.-39+2354CCG[5] (NM_001309840.2).
Identifiers: ClinVar variation 3059336 (VCV003059336.3), dbSNP rs745433225, ClinGen allele CA9926856.
Genomic context (GRCh38, chr20:58,891,706, plus strand): 5'-CCGGCCCTCCCGGCCCGCGTGAGGCCGCCCGCGCCCGCCGCCGCCGCAGCCCGGCCGCGC[CCCG>C]CCGCCGCCGCCGCCGCCATGGGCTGCCTCGGGAACAGTAAGACCGAGGACCAGCGCAACG-3'

ClinVar aggregate classification (germline): Likely benign. Review status: criteria provided, single submitter (1 of 4 stars). 2 submissions from 2 submitters: Likely benign (1). 1 of the submissions does not count toward it. Last evaluated 2024-11-28.

Conditions:
GNAS-related disorder. Identifiers: MedGen CN380105.

Submissions (2):

Blueprint Genetics
Classification: Likely benign. Last evaluated: 2024-11-28. Review status: criteria provided, single submitter. Criteria: ACMG Guidelines, 2015. Collection method: clinical testing. Allele origin: germline.

PreventionGenetics, part of Exact Sciences
Classification: Benign for GNAS-related condition. Last evaluated: 2020-02-08. Review status: no assertion criteria provided. Collection method: clinical testing. Allele origin: germline. Not counted in ClinVar's aggregate classification.
Comment: This variant is classified as benign based on ACMG/AMP sequence variant interpretation guidelines (Richards et al. 2015 PMID: 25741868, with internal and published modifications).